The following is an entry in ClinVar:

ClinVar aggregate classification (germline): Likely pathogenic. Review status: criteria provided, multiple submitters, no conflicts (2 of 4 stars). 2 submissions from 2 submitters: Likely pathogenic (2). Last evaluated 2024-09-25.

Conditions:
Nephrotic syndrome, type 9 (NPHS9). Identifiers: Orphanet 656, MedGen C3809965, MONDO:0014257, OMIM 615573.

Allele frequency attached by ClinVar (database versions not stated): gnomAD exomes below 0.00001; ExAC 0.00001.
gnomAD v4.1: 1 of 1,611,244 alleles (0.000062%); highest among the groups gnomAD compares: East Asian, 0.0022%; no homozygotes.

Submissions (2):

3billion
Classification: Likely pathogenic for Nephrotic syndrome, type 9. Last evaluated: 2024-09-25. Review status: criteria provided, single submitter. Criteria: ACMG Guidelines, 2015. Collection method: clinical testing. Allele origin: germline. Affected: yes.
Comment: The variant is observed at an extremely low frequency in the gnomAD v4.0.0 dataset (total allele frequency: <0.001%). Predicted Consequence/Location: Missense variant Damaging effect on gene or gene product predicted by in silico programs is uncertain [REVEL: 0.51 (damaging >=0.6, benign <0.4), 3Cnet: 0.49 (damaging >=0.6, benign <0.15)]. The same nucleotide change resulting in the same amino acid change has been previously reported to be associated with COQ8B-related disorder (ClinVar ID: VCV002736895 /PMID: 28405841).The variant has been reported to be in trans with a pathogenic variant as either compound heterozygous or homozygous in at least 2 similarly affected unrelated individuals (PMID: 28405841). The variant has been reported to co-segregate with the disease in at least one similarly affected relative/individual in the same family or similarly affected unrelated family (PMID: 28405841). Therefore, this variant is classified as Likely pathogenic according to the recommendation of ACMG/AMP guideline.

Labcorp Genetics (formerly Invitae), Labcorp
Classification: Likely pathogenic. Last evaluated: 2024-04-10. Review status: criteria provided, single submitter. Criteria: Invitae Variant Classification Sherloc (09022015). Collection method: clinical testing. Allele origin: germline.
Comment: This sequence change replaces asparagine, which is neutral and polar, with lysine, which is basic and polar, at codon 253 of the COQ8B protein (p.Asn253Lys). This variant is present in population databases (rs781023923, gnomAD 0.006%). This missense change has been observed in individual(s) with steroid-resistant nephrotic syndrome (PMID: 28405841, 35483523). It has also been observed to segregate with disease in related individuals. Advanced modeling of protein sequence and biophysical properties (such as structural, functional, and spatial information, amino acid conservation, physicochemical variation, residue mobility, and thermodynamic stability) performed at Invitae indicates that this missense variant is expected to disrupt COQ8B protein function with a positive predictive value of 80%. In summary, the currently available evidence indicates that the variant is pathogenic, but additional data are needed to prove that conclusively. Therefore, this variant has been classified as Likely Pathogenic.

Literature cited by the submitters: PubMed 28405841 (cited by 3billion and Labcorp Genetics (formerly Invitae), Labcorp); PubMed 35483523 (cited by Labcorp Genetics (formerly Invitae), Labcorp).

NM_024876.4(COQ8B):c.759C>A (p.Asn253Lys)

Gene: COQ8B (coenzyme Q8B; minus strand). Cytogenetic location: 19q13.2.
Variant type: single nucleotide variant.
Coding change: c.759C>A on transcript NM_024876.4 (MANE Select); coding-DNA position 759, C replaced by A.
Protein change: p.Asn253Lys; replaces asparagine 253 with lysine.
Molecular consequence: missense variant.
Genome position (GRCh38, 1-based): chr19:40,703,581, G>T on the plus strand (C>A on the coding strand, the complement: COQ8B is on the minus strand). VCF-style: chr19-40703581-G-T. GRCh37 (hg19) VCF-style: chr19-41209486-G-T.
Other names: c.636C>A, p.Asn212Lys (NM_001142555.3); short protein forms N212K, N253K.
Identifiers: ClinVar variation 2736895 (VCV002736895.4), dbSNP rs781023923, ClinGen allele CA9450291.
Genomic context (GRCh38, chr19:40,703,581, plus strand): 5'-GGAGTGGGTGGGCGCCTCACCCGCGGGCAGGGCCGCGCTCATCTTGAGTACCGCCAGCAG[G>T]TTCTGGACATCGCTCTGAATGCTCTGGGCTATGCCGGGGTACTGTAAAGGGAGAAGGGAG-3'
Protein context (NP_079152.3, residues 243-263): IAQSIQSDVQ[Asn253Lys]LLAVLKMSAA